The following is an entry in ClinVar:

ClinVar aggregate classification (germline): Uncertain significance (1 of 4 stars; one submission).

Conditions:
PASK-related disorder. Also called: PASK-related condition.

Submission:

PreventionGenetics, part of Exact Sciences
Classification: Uncertain significance for PASK-related condition. Last evaluated: 2022-12-09. Review status: criteria provided, single submitter. Criteria: ACMG Guidelines, 2015. Collection method: clinical testing. Allele origin: germline.
Comment: The PASK c.1039G>A variant is predicted to result in the amino acid substitution p.Gly347Ser. To our knowledge, this variant has not been reported in the literature or in a large population database, indicating this variant is rare. At this time, the clinical significance of this variant is uncertain due to the absence of conclusive functional and genetic evidence.

NM_015148.4(PASK):c.1039G>A (p.Gly347Ser)

Gene: PASK (PAS domain containing serine/threonine kinase; minus strand). Cytogenetic location: 2q37.3.
Variant type: single nucleotide variant.
Coding change: c.1039G>A on transcript NM_015148.4 (MANE Select); coding-DNA position 1039, G replaced by A.
Protein change: p.Gly347Ser; replaces glycine 347 with serine.
Molecular consequence: missense variant.
Genome position (GRCh38, 1-based): chr2:241,137,102, C>T on the plus strand (G>A on the coding strand, the complement: PASK is on the minus strand). VCF-style: chr2-241137102-C-T. GRCh37 (hg19) VCF-style: chr2-242076517-C-T.
Other names: c.1039G>A, p.Gly347Ser (NM_001252119.2, NM_001252120.2, NM_001252124.2); c.934G>A, p.Gly312Ser (NM_001252122.2); short protein forms G312S, G347S.
Identifiers: ClinVar variation 2635233 (VCV002635233.1), dbSNP rs2531254242, ClinGen allele CA351354150.